The following is an entry in ClinVar:

NM_000257.4(MYH7):c.4562A>G (p.Lys1521Arg)

Genes: MHRT (myosin heavy chain associated RNA transcript; plus strand), MYH7 (myosin heavy chain 7; minus strand). Cytogenetic location: 14q11.2.
Variant type: single nucleotide variant.
Coding change: c.4562A>G on transcript NM_000257.4 (MANE Select); coding-DNA position 4562, A replaced by G.
Protein change: p.Lys1521Arg; replaces lysine 1521 with arginine.
Molecular consequence: missense variant. On other transcripts: non-coding transcript variant (1).
Genome position (GRCh38, 1-based): chr14:23,416,950, T>C on the plus strand (A>G on the coding strand, the complement: MYH7 is on the minus strand). VCF-style: chr14-23416950-T-C. GRCh37 (hg19) VCF-style: chr14-23886159-T-C.
Other names: short protein forms K1521R.
Identifiers: ClinVar variation 953110 (VCV000953110.9), dbSNP rs1892238144, ClinGen allele CA389038139.

ClinVar aggregate classification (germline): Uncertain significance (1 of 4 stars; one submission).

Conditions:
Hypertrophic cardiomyopathy. Also called: HYPERTROPHIC MYOCARDIOPATHY. Identifiers: Orphanet 217569, MedGen C0007194, MeSH D002312, MONDO:0005045, HP:0001639.

Submission:

Labcorp Genetics (formerly Invitae), Labcorp
Classification: Uncertain significance for Hypertrophic cardiomyopathy. Last evaluated: 2019-08-12. Review status: criteria provided, single submitter. Criteria: Invitae Variant Classification Sherloc (09022015). Collection method: clinical testing. Allele origin: germline.
Comment: Algorithms developed to predict the effect of missense changes on protein structure and function are either unavailable or do not agree on the potential impact of this missense change (SIFT: "Deleterious"; PolyPhen-2: "Possibly Damaging"; Align-GVGD: "Class C0"). This sequence change replaces lysine with arginine at codon 1521 of the MYH7 protein (p.Lys1521Arg). The lysine residue is highly conserved and there is a small physicochemical difference between lysine and arginine. This variant is not present in population databases (ExAC no frequency). This variant has not been reported in the literature in individuals with MYH7-related conditions. In summary, the available evidence is currently insufficient to determine the role of this variant in disease. Therefore, it has been classified as a Variant of Uncertain Significance.